The following is an entry in ClinVar:

NM_001267550.2(TTN):c.107506A>C (p.Ser35836Arg)

Genes: TTN (titin; minus strand), TTN-AS1 (TTN antisense RNA 1; plus strand). Cytogenetic location: 2q31.2.
Variant type: single nucleotide variant.
Coding change: c.107506A>C on transcript NM_001267550.2 (MANE Select); coding-DNA position 107506, A replaced by C.
Protein change: p.Ser35836Arg; replaces serine 35836 with arginine.
Molecular consequence: missense variant.
Genome position (GRCh38, 1-based): chr2:178,527,620, T>G on the plus strand (A>C on the coding strand, the complement: TTN is on the minus strand). VCF-style: chr2-178527620-T-G. GRCh37 (hg19) VCF-style: chr2-179392347-T-G.
Other names: c.102583A>C, p.Ser34195Arg (NM_001256850.1); c.80311A>C, p.Ser26771Arg (NM_003319.4); c.99802A>C, p.Ser33268Arg (NM_133378.4); c.80686A>C, p.Ser26896Arg (NM_133432.3); c.80887A>C, p.Ser26963Arg (NM_133437.4); short protein forms S26771R, S34195R, S35836R, S26896R, S26963R, S33268R.
Identifiers: ClinVar variation 1411741 (VCV001411741.5), dbSNP rs1687008231, ClinGen allele CA349400670.
Genomic context (GRCh38, chr2:178,527,620, plus strand): 5'-TGCTTTGGGCAGACATGCTTGCAAATTTCATCTCAGTCATGCTGCTAGCACTGCTGCTGC[T>G]GAAACTGCTGAAGGAGGCCTCCTGCTTGGAGGCAGACATTTGGACTGACTGAGACGAGAA-3'
Protein context (NP_001254479.2, residues 35826-35846): SKQEASFSSF[Ser35836Arg]SSSASSMTEM

ClinVar aggregate classification (germline): Uncertain significance (1 of 4 stars; one submission).

Conditions:
Autosomal recessive limb-girdle muscular dystrophy type 2J (LGMDR10). Also called: MUSCULAR DYSTROPHY, LIMB-GIRDLE, AUTOSOMAL RECESSIVE 10; Limb-girdle muscular dystrophy, type 2J. Identifiers: Orphanet 140922, MedGen C1837342, MONDO:0012127, OMIM 608807.
Dilated cardiomyopathy 1G (CMD1G). Identifiers: Orphanet 154, MedGen C1858763, MONDO:0011400, OMIM 604145.

Allele frequency attached by ClinVar (database versions not stated): TOPMed 0.00002.
gnomAD v4.1: 1 of 1,613,996 alleles (0.000062%); no homozygotes.

Submission:

Labcorp Genetics (formerly Invitae), Labcorp
Classification: Uncertain significance for Dilated cardiomyopathy 1G; Autosomal recessive limb-girdle muscular dystrophy type 2J. Last evaluated: 2025-09-10. Review status: criteria provided, single submitter. Criteria: Invitae Variant Classification Sherloc (09022015). Collection method: clinical testing. Allele origin: germline.
Comment: This sequence change replaces serine, which is neutral and polar, with arginine, which is basic and polar, at codon 35836 of the TTN protein (p.Ser35836Arg). This variant is not present in population databases (gnomAD no frequency). This variant has not been reported in the literature in individuals affected with TTN-related conditions. ClinVar contains an entry for this variant (Variation ID: 1411741). Experimental studies and prediction algorithms are not available or were not evaluated, and the functional significance of this variant is currently unknown. This variant is located in the M band of TTN (PMID: 25589632). Non-truncating variants in this region may be relevant for neuromuscular disorders, but have not been definitively shown to cause cardiomyopathy (PMID: 23975875). In summary, the available evidence is currently insufficient to determine the role of this variant in disease. Therefore, it has been classified as a Variant of Uncertain Significance.

Literature cited by the submitters: PubMed 25589632; PubMed 23975875.